The following is an entry in ClinVar:

ClinVar aggregate classification (germline): Uncertain significance (1 of 4 stars; one submission).

Submission:

Labcorp Genetics (formerly Invitae), Labcorp
Classification: Uncertain significance. Last evaluated: 2024-08-02. Review status: criteria provided, single submitter. Criteria: Invitae Variant Classification Sherloc (09022015). Collection method: clinical testing. Allele origin: germline.
Comment: This sequence change replaces glutamic acid, which is acidic and polar, with lysine, which is basic and polar, at codon 330 of the GNAS protein (p.Glu330Lys). This variant is not present in population databases (gnomAD no frequency). This variant has not been reported in the literature in individuals affected with GNAS-related conditions. Advanced modeling of protein sequence and biophysical properties (such as structural, functional, and spatial information, amino acid conservation, physicochemical variation, residue mobility, and thermodynamic stability) performed at Invitae indicates that this missense variant is expected to disrupt GNAS protein function with a positive predictive value of 80%. In summary, the available evidence is currently insufficient to determine the role of this variant in disease. Therefore, it has been classified as a Variant of Uncertain Significance.

NM_000516.7(GNAS):c.988G>A (p.Glu330Lys)

Gene: GNAS (GNAS complex locus; plus strand). Cytogenetic location: 20q13.32.
Variant type: single nucleotide variant.
Coding change: c.988G>A on transcript NM_000516.7 (MANE Select); coding-DNA position 988, G replaced by A.
Protein change: p.Glu330Lys; replaces glutamic acid 330 with lysine.
Molecular consequence: missense variant. On other transcripts: 3 prime UTR variant (2).
Genome position (GRCh38, 1-based): chr20:58,910,351, G>A. VCF-style: chr20-58910351-G-A. GRCh37 (hg19) VCF-style: chr20-57485406-G-A.
Other names: c.991G>A, p.Glu331Lys (NM_001077488.5); c.943G>A, p.Glu315Lys (NM_001077489.4); c.*849G>A (NM_001077490.3); c.811G>A, p.Glu271Lys (NM_001309840.2, NM_001309861.2); c.892G>A, p.Glu298Lys (NM_001410912.1); c.2872G>A, p.Glu958Lys (NM_001410913.1); c.*894G>A (NM_016592.5); c.2917G>A, p.Glu973Lys (NM_080425.4); and 1 more; short protein forms E316K, E271K, E298K, E331K, E315K, E330K, E958K, E973K.
Identifiers: ClinVar variation 3661282 (VCV003661282.2).